The following is an entry in ClinVar:

NM_000264.5(PTCH1):c.2686C>T (p.Pro896Ser)

Gene: PTCH1 (patched 1; minus strand). Cytogenetic location: 9q22.32.
Variant type: single nucleotide variant.
Coding change: c.2686C>T on transcript NM_000264.5 (MANE Select); coding-DNA position 2686, C replaced by T.
Protein change: p.Pro896Ser; replaces proline 896 with serine.
Molecular consequence: missense variant. On other transcripts: non-coding transcript variant (1).
Genome position (GRCh38, 1-based): chr9:95,461,873, G>A on the plus strand (C>T on the coding strand, the complement: PTCH1 is on the minus strand). VCF-style: chr9-95461873-G-A. GRCh37 (hg19) VCF-style: chr9-98224155-G-A.
Other names: c.2488C>T, p.Pro830Ser (NM_001083602.3); c.2683C>T, p.Pro895Ser (NM_001083603.3); c.2233C>T, p.Pro745Ser (NM_001083604.3, NM_001083605.3, NM_001083606.3 and 1 more transcripts); c.2530C>T, p.Pro844Ser (NM_001354918.2); short protein forms P745S, P830S, P844S, P895S, P896S.
Identifiers: ClinVar variation 3774756 (VCV003774756.2).

ClinVar aggregate classification (germline): Uncertain significance. Review status: criteria provided, multiple submitters, no conflicts (2 of 4 stars). 2 submissions from 2 submitters: Uncertain significance (2). Last evaluated 2025-06-08.

Conditions:
Hereditary cancer-predisposing syndrome. Also called: Tumor predisposition; Hereditary Cancer Syndrome; Neoplastic Syndromes, Hereditary; Hereditary neoplastic syndrome. Identifiers: Orphanet 140162, MedGen C0027672, MeSH D009386, MONDO:0015356.

Submissions (2):

Ambry Genetics
Classification: Uncertain significance for Hereditary cancer-predisposing syndrome. Last evaluated: 2025-06-08. Review status: criteria provided, single submitter. Criteria: Ambry Variant Classification Scheme 2023. Collection method: clinical testing. Allele origin: germline.
Comment: The p.P896S variant (also known as c.2686C>T), located in coding exon 16 of the PTCH1 gene, results from a C to T substitution at nucleotide position 2686. The proline at codon 896 is replaced by serine, an amino acid with similar properties. This amino acid position is conserved. In addition, this alteration is predicted to be deleterious by in silico analysis. Based on the available evidence, the clinical significance of this variant remains unclear.

GeneDx
Classification: Uncertain significance. Last evaluated: 2024-09-26. Review status: criteria provided, single submitter. Criteria: GeneDx Variant Classification Process June 2021. Collection method: clinical testing. Allele origin: germline. Affected: yes.
Comment: Not observed at significant frequency in large population cohorts (gnomAD); In silico analysis supports that this missense variant has a deleterious effect on protein structure/function; Has not been previously published as pathogenic or benign to our knowledge; This variant is associated with the following publications: (PMID: 8906794)